The following is an entry in ClinVar:

NM_001080449.3(DNA2):c.136C>T (p.Arg46Trp)

Gene: DNA2 (DNA replication helicase/nuclease 2; minus strand). Cytogenetic location: 10q21.3.
Variant type: single nucleotide variant.
Coding change: c.136C>T on transcript NM_001080449.3 (MANE Select); coding-DNA position 136, C replaced by T.
Protein change: p.Arg46Trp; replaces arginine 46 with tryptophan.
Molecular consequence: missense variant. On other transcripts: non-coding transcript variant (1).
Genome position (GRCh38, 1-based): chr10:68,470,102, G>A on the plus strand (C>T on the coding strand, the complement: DNA2 is on the minus strand). VCF-style: chr10-68470102-G-A. GRCh37 (hg19) VCF-style: chr10-70229859-G-A.
Other names: short protein forms R46W.
Identifiers: ClinVar variation 2896644 (VCV002896644.3), dbSNP rs910354727, ClinGen allele CA208189115.

ClinVar aggregate classification (germline): Uncertain significance (1 of 4 stars; one submission).

gnomAD v4.1: 17 of 1,613,286 alleles (0.0011%); highest among the groups gnomAD compares: African/African-American, 0.004%; no homozygotes.

Submission:

Labcorp Genetics (formerly Invitae), Labcorp
Classification: Uncertain significance. Last evaluated: 2025-09-03. Review status: criteria provided, single submitter. Criteria: Invitae Variant Classification Sherloc (09022015). Collection method: clinical testing. Allele origin: germline.
Comment: This sequence change replaces arginine, which is basic and polar, with tryptophan, which is neutral and slightly polar, at codon 46 of the DNA2 protein (p.Arg46Trp). This variant is present in population databases (no rsID available, gnomAD 0.007%). This variant has not been reported in the literature in individuals affected with DNA2-related conditions. ClinVar contains an entry for this variant (Variation ID: 2896644). Invitae Evidence Modeling of protein sequence and biophysical properties (such as structural, functional, and spatial information, amino acid conservation, physicochemical variation, residue mobility, and thermodynamic stability) indicates that this missense variant is expected to disrupt DNA2 protein function with a positive predictive value of 80%. In summary, the available evidence is currently insufficient to determine the role of this variant in disease. Therefore, it has been classified as a Variant of Uncertain Significance.